The following is an entry in ClinVar:

NM_152564.5(VPS13B):c.5947A>G (p.Thr1983Ala)

Gene: VPS13B (vacuolar protein sorting 13 homolog B; plus strand). Cytogenetic location: 8q22.2.
Variant type: single nucleotide variant.
Coding change: c.5947A>G on transcript NM_152564.5 (MANE Select); coding-DNA position 5947, A replaced by G.
Protein change: p.Thr1983Ala; replaces threonine 1983 with alanine.
Molecular consequence: missense variant.
Genome position (GRCh38, 1-based): chr8:99,661,392, A>G. VCF-style: chr8-99661392-A-G. GRCh37 (hg19) VCF-style: chr8-100673620-A-G.
Other names: c.6022A>G, p.Thr2008Ala (NM_017890.5); short protein forms T1983A, T2008A.
Identifiers: ClinVar variation 4992268 (VCV004992268.1).

ClinVar aggregate classification (germline): Uncertain significance (1 of 4 stars; one submission).

Conditions:
VPS13B-related disorder. Also called: VPS13B-related condition.

gnomAD v4.1: 1 of 1,613,614 alleles (0.000062%); highest among the groups gnomAD compares: Admixed American, 0.0017%; no homozygotes.

Submission:

PreventionGenetics, part of Exact Sciences
Classification: Uncertain significance for VPS13B-related condition. Last evaluated: 2026-03-23. Review status: criteria provided, single submitter. Criteria: ACMG Guidelines, 2015. Collection method: clinical testing. Allele origin: germline.
Comment: The VPS13B c.5947A>G variant is predicted to result in the amino acid substitution p.Thr1983Ala. To our knowledge, this variant has not been reported in the literature or in a large population database (gnomAD), indicating this variant is rare. At this time, the clinical significance of this variant is uncertain due to the absence of conclusive functional and genetic evidence.